The following is an entry in ClinVar:

NM_018979.4(WNK1):c.5480C>T (p.Thr1827Ile)

Gene: WNK1 (WNK lysine deficient protein kinase 1; plus strand). Cytogenetic location: 12p13.33.
Variant type: single nucleotide variant.
Coding change: c.5480C>T on transcript NM_018979.4 (MANE Select); coding-DNA position 5480, C replaced by T.
Protein change: p.Thr1827Ile; replaces threonine 1827 with isoleucine.
Molecular consequence: missense variant.
Genome position (GRCh38, 1-based): chr12:890,484, C>T. VCF-style: chr12-890484-C-T. GRCh37 (hg19) VCF-style: chr12-999650-C-T.
Other names: c.6260C>T, p.Thr2087Ile (NM_001184985.2); c.4739C>T, p.Thr1580Ile (NM_014823.3); c.6236C>T, p.Thr2079Ile (NM_213655.5); short protein forms T1827I, T1580I, T2079I, T2087I.
Identifiers: ClinVar variation 1752361 (VCV001752361.4), dbSNP rs760439565, ClinGen allele CA6383202.

ClinVar aggregate classification (germline): Uncertain significance. Review status: criteria provided, multiple submitters, no conflicts (2 of 4 stars). 2 submissions from 2 submitters: Uncertain significance (2). Last evaluated 2024-07-01.

Conditions:
Neuropathy, hereditary sensory and autonomic, type 2A (HSAN2A). Also called: MORVAN DISEASE; NEUROPATHY, CONGENITAL SENSORY; NEUROPATHY, HEREDITARY SENSORY RADICULAR, AUTOSOMAL RECESSIVE; NEUROPATHY, HEREDITARY SENSORY, TYPE IIA; NEUROPATHY, PROGRESSIVE SENSORY, OF CHILDREN; ACROOSTEOLYSIS, GIACCAI TYPE. Identifiers: Orphanet 970, MedGen C2752089, MONDO:0024309, OMIM 201300.
Pseudohypoaldosteronism type 2C (PHA2C). Also called: Pseudohypoaldosteronism Type IIC. Identifiers: Orphanet 757, Orphanet 88940, MedGen C1840391, MONDO:0013778, OMIM 614492.
Inborn genetic diseases. Identifiers: MedGen C0950123, MeSH D030342.

Allele frequency attached by ClinVar (database versions not stated): ExAC 0.00001; gnomAD exomes 0.00002; TOPMed 0.00002.
gnomAD v4.1: 22 of 1,614,152 alleles (0.0014%); highest among the groups gnomAD compares: Non-Finnish European, 0.0018%; no homozygotes.

Submissions (2):

Labcorp Genetics (formerly Invitae), Labcorp
Classification: Uncertain significance for Neuropathy, hereditary sensory and autonomic, type 2A; Pseudohypoaldosteronism type 2C. Last evaluated: 2024-07-01. Review status: criteria provided, single submitter. Criteria: Invitae Variant Classification Sherloc (09022015). Collection method: clinical testing. Allele origin: germline.
Comment: This sequence change replaces threonine, which is neutral and polar, with isoleucine, which is neutral and non-polar, at codon 2079 of the WNK1 protein (p.Thr2079Ile). This variant is present in population databases (rs760439565, gnomAD 0.002%). This variant has not been reported in the literature in individuals affected with WNK1-related conditions. ClinVar contains an entry for this variant (Variation ID: 1752361). Advanced modeling of protein sequence and biophysical properties (such as structural, functional, and spatial information, amino acid conservation, physicochemical variation, residue mobility, and thermodynamic stability) performed at Invitae indicates that this missense variant is not expected to disrupt WNK1 protein function with a negative predictive value of 95%. In summary, the available evidence is currently insufficient to determine the role of this variant in disease. Therefore, it has been classified as a Variant of Uncertain Significance.

Ambry Genetics
Classification: Uncertain significance for Inborn genetic diseases. Last evaluated: 2022-01-18. Review status: criteria provided, single submitter. Criteria: Ambry Variant Classification Scheme 2023. Collection method: clinical testing. Allele origin: germline.
Comment: The p.T2079I variant (also known as c.6236C>T), located in coding exon 22 of the WNK1 gene, results from a C to T substitution at nucleotide position 6236. The threonine at codon 2079 is replaced by isoleucine, an amino acid with similar properties. This amino acid position is poorly conserved in available vertebrate species. In addition, this alteration is predicted to be tolerated by in silico analysis. Since supporting evidence is limited at this time, the clinical significance of this alteration remains unclear.